The following is an entry in ClinVar:

ClinVar aggregate classification (germline): Likely benign (1 of 4 stars; one submission).

Allele frequency attached by ClinVar (database versions not stated): gnomAD 0.00042; gnomAD exomes 0.00042; ExAC 0.00951.
gnomAD v4.1: 560 of 1,220,038 alleles (0.046%); highest among the groups gnomAD compares: Middle Eastern, 0.16%; 4 homozygotes.

Submission:

CeGaT Center for Human Genetics Tuebingen
Classification: Likely benign. Last evaluated: 2023-08-01. Review status: criteria provided, single submitter. Criteria: CeGaT Center For Human Genetics Tuebingen Variant Classification Criteria Version 2. Collection method: clinical testing. Allele origin: germline. Affected: yes. Observed: 1 variant allele.
Comment: FOXE1: BP4, BP7

NM_004473.4(FOXE1):c.504A>C (p.Ala168=)

Gene: FOXE1 (forkhead box E1; plus strand). Cytogenetic location: 9q22.33.
Variant type: single nucleotide variant.
Coding change: c.504A>C on transcript NM_004473.4 (MANE Select); coding-DNA position 504, A replaced by C.
Protein change: p.Ala168=; no amino-acid change (alanine 168 retained).
Molecular consequence: synonymous variant.
Genome position (GRCh38, 1-based): chr9:97,854,418, A>C. VCF-style: chr9-97854418-A-C. GRCh37 (hg19) VCF-style: chr9-100616700-A-C.
Identifiers: ClinVar variation 2659341 (VCV002659341.24), dbSNP rs3021524, ClinGen allele CA5149117.